The following is an entry in ClinVar:

ClinVar aggregate classification (germline): Likely pathogenic (1 of 4 stars; one submission).

Conditions:
Developmental and epileptic encephalopathy, 34 (DEE34). Also called: Early infantile epileptic encephalopathy 34; SLC12A5-Related Epilepsy of Infancy with Migrating Focal Seizures. Identifiers: Orphanet 293181, MedGen C4225257, MONDO:0014718, OMIM 616645.

Submission:

Labcorp Genetics (formerly Invitae), Labcorp
Classification: Likely pathogenic for Developmental and epileptic encephalopathy, 34. Last evaluated: 2021-06-04. Review status: criteria provided, single submitter. Criteria: Invitae Variant Classification Sherloc (09022015). Collection method: clinical testing. Allele origin: germline.
Comment: Algorithms developed to predict the effect of sequence changes on RNA splicing suggest that this variant may disrupt the consensus splice site, but this prediction has not been confirmed by published transcriptional studies. This variant has not been reported in the literature in individuals with SLC12A5-related conditions. This variant is not present in population databases (ExAC no frequency). This sequence change affects a donor splice site in intron 16 of the SLC12A5 gene. It is expected to disrupt RNA splicing. Variants that disrupt the donor or acceptor splice site typically lead to a loss of protein function (PMID: 16199547), and loss-of-function variants in SLC12A5 are known to be pathogenic (PMID: 26333769, 27436767). In summary, the currently available evidence indicates that the variant is pathogenic, but additional data are needed to prove that conclusively. Therefore, this variant has been classified as Likely Pathogenic.

Literature cited by the submitters: PubMed 16199547; PubMed 26333769; PubMed 27436767.

NM_020708.5(SLC12A5):c.2012+1G>T

Gene: SLC12A5 (solute carrier family 12 member 5; plus strand). Cytogenetic location: 20q13.12.
Variant type: single nucleotide variant.
Coding change: c.2012+1G>T on transcript NM_020708.5 (MANE Select); the canonical splice donor site of the intron after coding-DNA position 2012, G replaced by T.
Molecular consequence: splice donor variant.
Genome position (GRCh38, 1-based): chr20:46,048,086, G>T. VCF-style: chr20-46048086-G-T. GRCh37 (hg19) VCF-style: chr20-44676725-G-T.
Other names: c.2081+1G>T (NM_001134771.2).
Identifiers: ClinVar variation 1476182 (VCV001476182.8), dbSNP rs2145497450, ClinGen allele CA409200811.